The following is an entry in ClinVar:

NM_001614.5(ACTG1):c.616C>T (p.Arg206Trp)

Gene: ACTG1 (actin gamma 1; minus strand). Cytogenetic location: 17q25.3.
Variant type: single nucleotide variant.
Coding change: c.616C>T on transcript NM_001614.5 (MANE Select); coding-DNA position 616, C replaced by T.
Protein change: p.Arg206Trp; replaces arginine 206 with tryptophan.
Molecular consequence: missense variant. On other transcripts: non-coding transcript variant (1).
Genome position (GRCh38, 1-based): chr17:81,511,374, G>A on the plus strand (C>T on the coding strand, the complement: ACTG1 is on the minus strand). VCF-style: chr17-81511374-G-A. GRCh37 (hg19) VCF-style: chr17-79478400-G-A.
Other names: c.616C>T (NM_001614.3, NM_001614.4); c.616C>T, p.Arg206Trp (NM_001199954.3); short protein forms R206W.
Identifiers: ClinVar variation 864856 (VCV000864856.13), dbSNP rs1598548614, ClinGen allele CA401460428.

ClinVar aggregate classification (germline): Conflicting classifications of pathogenicity. Review status: criteria provided, conflicting classifications (1 of 4 stars). 6 submissions from 6 submitters: Likely pathogenic (4); Uncertain significance (2). Last evaluated 2025-02-10.

Conditions:
Autosomal dominant nonsyndromic hearing loss 20. Identifiers: Orphanet 90635, MedGen C1858172, MONDO:0011480, OMIM 604717.
Baraitser-winter syndrome 2. Identifiers: Orphanet 2995, MedGen C3281235, MONDO:0013812, OMIM 614583.
ACTG1-related disorder. Also called: ACTG1-related disorders; ACTG1-related condition.

Submissions (6):

Labcorp Genetics (formerly Invitae), Labcorp
Classification: Uncertain significance for Baraitser-winter syndrome 2; Autosomal dominant nonsyndromic hearing loss 20. Last evaluated: 2025-02-10. Review status: criteria provided, single submitter. Criteria: Invitae Variant Classification Sherloc (09022015). Collection method: clinical testing. Allele origin: germline.
Comment: This sequence change replaces arginine, which is basic and polar, with tryptophan, which is neutral and slightly polar, at codon 206 of the ACTG1 protein (p.Arg206Trp). This variant is not present in population databases (gnomAD no frequency). This missense change has been observed in individual(s) with clinical features of ACTG1-related conditions (PMID: 33604570). ClinVar contains an entry for this variant (Variation ID: 864856). Invitae Evidence Modeling of protein sequence and biophysical properties (such as structural, functional, and spatial information, amino acid conservation, physicochemical variation, residue mobility, and thermodynamic stability) indicates that this missense variant is not expected to disrupt ACTG1 protein function with a negative predictive value of 80%. This variant disrupts the p.Arg206 amino acid residue in ACTG1. Other variant(s) that disrupt this residue have been determined to be pathogenic (internal data). This suggests that this residue is clinically significant, and that variants that disrupt this residue are likely to be disease-causing. In summary, the available evidence is currently insufficient to determine the role of this variant in disease. Therefore, it has been classified as a Variant of Uncertain Significance.

GeneDx
Classification: Likely pathogenic. Last evaluated: 2023-10-05. Review status: criteria provided, single submitter. Criteria: GeneDx Variant Classification Process June 2021. Collection method: clinical testing. Allele origin: germline. Affected: yes.
Comment: Not observed at significant frequency in large population cohorts (gnomAD); In silico analysis supports that this missense variant has a deleterious effect on protein structure/function; The majority of missense variants in this gene are considered pathogenic (HGMD); This variant is associated with the following publications: (PMID: 36810952, 35054877, 33604570)

Women's Health and Genetics/Laboratory Corporation of America, LabCorp
Classification: Likely pathogenic for ACTG1-Related Disorders. Last evaluated: 2023-01-20. Review status: criteria provided, single submitter. Criteria: LabCorp Variant Classification Summary - May 2015. Collection method: clinical testing. Allele origin: germline.
Comment: Variant summary: ACTG1 c.616C>T (p.Arg206Trp) results in a non-conservative amino acid change in the encoded protein sequence. Five of five in-silico tools predict a damaging effect of the variant on protein function. The variant was absent in 250910 control chromosomes. The available data on variant occurrences in the general population are insufficient to allow any conclusion about variant significance. c.616C>T has been reported in the literature in the de novo state in a patient affected with bilateral perisylvian polymicrogyria (Stutterd_2020). These data indicate the variant is likely to be disease causing. To our knowledge, no experimental evidence demonstrating an impact on protein function has been reported. Three clinical diagnostic laboratories have submitted clinical-significance assessments for this variant to ClinVar after 2014 without evidence for independent evaluation. Two submitters classified the variant as likely pathogenic and one classified as VUS. Based on the evidence outlined above, the variant was classified as likely pathogenic.

Victorian Clinical Genetics Services, Murdoch Childrens Research Institute
Classification: Likely pathogenic for Baraitser-winter syndrome 2. Last evaluated: 2020-05-21. Review status: criteria provided, single submitter. Criteria: ACMG Guidelines, 2015. Collection method: clinical testing. Allele origin: germline. Inheritance: Autosomal dominant inheritance.
Comment: A heterozygous missense variant was identified, NM_001614.3(ACTG1):c.616C>T in exon 4 of 6 of the ACTG1 gene (chr17:81511374, GRCh38). This substitution is predicted to create a major amino acid change from arginine to tryptophan at position 206 of the protein, NP_001605.1(ACTG1):p.(Arg206Trp). The arginine at this position has very high conservation (100 vertebrates, UCSC), and is located within the actin functional domain (PDB). In silico software predicts this variant to be pathogenic (PolyPhen, PROVEAN, CADD, MutationTaster). The variant is not present in the gnomAD population database. An alternative change to glutamine at the same residue has been reported in the gnomAD database at a frequency of 0.0004%. The variant has not previously been reported in clinical cases however, a different variant in the same codon resulting in a change to glutamine has been reported in association with congenital progressive sensorineural hearing loss and vestibular dysfunction (ClinVar). Based on information available at the time of curation, this variant has been classified as LIKELY PATHOGENIC. Legend: (P) - Pathogenic, (N) - Neutral, (B) - Benign

Bruce Lefroy Centre, Murdoch Childrens Research Institute
Classification: Likely pathogenic for Baraitser-winter syndrome 2. Last evaluated: 2020-01-01. Review status: criteria provided, single submitter. Criteria: ACMG Guidelines, 2015. Collection method: research. Allele origin: de novo. Inheritance: Autosomal dominant inheritance. Affected: yes. Observed: 1 variant allele, 1 heterozygote.
Comment: PM2, PM6, PP2, PP3

Precision Medicine Center, Zhengzhou University
Classification: Uncertain significance for Autosomal dominant nonsyndromic hearing loss 20. Last evaluated: 2006-06-30. Review status: criteria provided, single submitter. Criteria: ClinGen HL ACMG Specifications v1. Collection method: clinical testing. Allele origin: unknown. Affected: yes.
Comment: PM2+PP3:The ACTG1 c.616C>T variant is absent or extremely rare in population databases (PM2). Multiple computational prediction tools support a deleterious effect on protein function (PP3). However, no functional evidence, segregation data, de novo occurrence, or sufficient clinical observations are currently available. According to the ACMG/AMP guidelines, this variant is classified as Variant of Uncertain Significance (VUS).

Literature cited by the submitters: PubMed 33604570 (cited by Labcorp Genetics (formerly Invitae), Labcorp and Women's Health and Genetics/Laboratory Corporation of America, LabCorp).